The following is an entry in ClinVar:

ClinVar aggregate classification (germline): Uncertain significance (1 of 4 stars; one submission).

Conditions:
Hereditary cancer-predisposing syndrome. Also called: Neoplastic Syndromes, Hereditary; Tumor predisposition; Hereditary neoplastic syndrome; Hereditary Cancer Syndrome. Identifiers: Orphanet 140162, MedGen C0027672, MeSH D009386, MONDO:0015356.

Submission:

Ambry Genetics
Classification: Uncertain significance for Hereditary cancer-predisposing syndrome. Last evaluated: 2026-08-18. Review status: criteria provided, single submitter. Criteria: Ambry Variant Classification Scheme 2023. Collection method: clinical testing. Allele origin: germline.
Comment: The p.V655A variant (also known as c.1964T>C), located in coding exon 6 of the MET gene, results from a T to C substitution at nucleotide position 1964. The valine at codon 655 is replaced by alanine, an amino acid with similar properties. This amino acid position is conserved. In addition, the in silico prediction for this alteration is inconclusive. Based on the available evidence, the clinical significance of this variant remains unclear.

NM_000245.4(MET):c.1964T>C (p.Val655Ala)

Gene: MET (MET proto-oncogene, receptor tyrosine kinase; plus strand). Cytogenetic location: 7q31.2.
Variant type: single nucleotide variant.
Coding change: c.1964T>C on transcript NM_000245.4 (MANE Select); coding-DNA position 1964, T replaced by C.
Protein change: p.Val655Ala; replaces valine 655 with alanine.
Molecular consequence: missense variant.
Genome position (GRCh38, 1-based): chr7:116,757,538, T>C. VCF-style: chr7-116757538-T-C. GRCh37 (hg19) VCF-style: chr7-116397592-T-C.
Other names: c.1964T>C, p.Val655Ala (NM_001127500.3, NM_001324401.3); c.674T>C, p.Val225Ala (NM_001324402.2); short protein forms V225A, V655A.
Identifiers: ClinVar variation 5024425 (VCV005024425.1).
Genomic context (GRCh38, chr7:116,757,538, plus strand): 5'-ATATGTCCATAATTATTTCAAATGGCCACGGGACAACACAATACAGTACATTCTCCTATG[T>C]GGTAAGGAAGATTCTATCCTATCATGTTTGATTTTTACTTAATCTATTTAAATTATAAGA-3'
Protein context (NP_000236.2, residues 645-665): GTTQYSTFSY[Val655Ala]DPVITSISPK